The following is an entry in ClinVar:

NM_133642.5(LARGE1):c.746C>A (p.Thr249Asn)

Gene: LARGE1 (LARGE xylosyl- and glucuronyltransferase 1; minus strand). Cytogenetic location: 22q12.3.
Variant type: single nucleotide variant.
Coding change: c.746C>A on transcript NM_133642.5 (MANE Select); coding-DNA position 746, C replaced by A.
Protein change: p.Thr249Asn; replaces threonine 249 with asparagine.
Molecular consequence: missense variant.
Genome position (GRCh38, 1-based): chr22:33,564,889, G>T on the plus strand (C>A on the coding strand, the complement: LARGE1 is on the minus strand). VCF-style: chr22-33564889-G-T. GRCh37 (hg19) VCF-style: chr22-33960875-G-T.
Other names: c.746C>A, p.Thr249Asn (NM_001362949.2, NM_001362951.2, NM_001362953.2 and 7 more transcripts); c.143C>A, p.Thr48Asn (NM_001378630.1, NM_001378631.1); short protein forms T249N, T48N.
Identifiers: ClinVar variation 464480 (VCV000464480.11), dbSNP rs1256101536, ClinGen allele CA411545641.

ClinVar aggregate classification (germline): Uncertain significance. Review status: criteria provided, multiple submitters, no conflicts (2 of 4 stars). 2 submissions from 2 submitters: Uncertain significance (2). Last evaluated 2022-08-15.

Conditions:
Muscular dystrophy-dystroglycanopathy type B6 (MDDGB6). Also called: MUSCULAR DYSTROPHY-DYSTROGLYCANOPATHY (CONGENITAL WITH IMPAIRED INTELLECTUAL DEVELOPMENT), TYPE B, 6; MUSCULAR DYSTROPHY, CONGENITAL, LARGE-RELATED; MUSCULAR DYSTROPHY, CONGENITAL, TYPE 1D. Identifiers: MedGen C1837229, MONDO:0012138, OMIM 608840.

Submissions (2):

Labcorp Genetics (formerly Invitae), Labcorp
Classification: Uncertain significance for Muscular dystrophy-dystroglycanopathy type B6. Last evaluated: 2022-08-15. Review status: criteria provided, single submitter. Criteria: Invitae Variant Classification Sherloc (09022015). Collection method: clinical testing. Allele origin: germline.
Comment: This variant is not present in population databases (gnomAD no frequency). This sequence change replaces threonine, which is neutral and polar, with asparagine, which is neutral and polar, at codon 249 of the LARGE1 protein (p.Thr249Asn). This variant has not been reported in the literature in individuals affected with LARGE1-related conditions. ClinVar contains an entry for this variant (Variation ID: 464480). Algorithms developed to predict the effect of missense changes on protein structure and function are either unavailable or do not agree on the potential impact of this missense change (SIFT: "Deleterious"; PolyPhen-2: "Possibly Damaging"; Align-GVGD: "Class C0"). In summary, the available evidence is currently insufficient to determine the role of this variant in disease. Therefore, it has been classified as a Variant of Uncertain Significance.

Revvity Omics, Revvity
Classification: Uncertain significance. Last evaluated: 2019-03-11. Review status: criteria provided, single submitter. Criteria: ACMG Guidelines, 2015. Collection method: clinical testing. Allele origin: germline.